The following is an entry in ClinVar:

ClinVar aggregate classification (germline): Conflicting classifications of pathogenicity. Review status: criteria provided, conflicting classifications (1 of 4 stars). 2 submissions from 2 submitters: Uncertain significance (1); Likely benign (1). Last evaluated 2024-08-01.

Conditions:
Hereditary cancer-predisposing syndrome. Also called: Hereditary neoplastic syndrome; Neoplastic Syndromes, Hereditary; Hereditary Cancer Syndrome; Tumor predisposition. Identifiers: Orphanet 140162, MedGen C0027672, MeSH D009386, MONDO:0015356.
Hereditary nonpolyposis colorectal neoplasms. Identifiers: MedGen C0009405, MeSH D003123.

Submissions (2):

Ambry Genetics
Classification: Likely benign for Hereditary cancer-predisposing syndrome. Last evaluated: 2024-08-01. Review status: criteria provided, single submitter. Criteria: Ambry Variant Classification Scheme 2023. Collection method: clinical testing. Allele origin: germline.

Labcorp Genetics (formerly Invitae), Labcorp
Classification: Uncertain significance for Hereditary nonpolyposis colorectal neoplasms. Last evaluated: 2023-07-17. Review status: criteria provided, single submitter. Criteria: Invitae Variant Classification Sherloc (09022015). Collection method: clinical testing. Allele origin: germline.
Comment: This variant is not present in population databases (gnomAD no frequency). In summary, the available evidence is currently insufficient to determine the role of this variant in disease. Therefore, it has been classified as a Variant of Uncertain Significance. Advanced modeling of protein sequence and biophysical properties (such as structural, functional, and spatial information, amino acid conservation, physicochemical variation, residue mobility, and thermodynamic stability) performed at Invitae indicates that this missense variant is not expected to disrupt PMS2 protein function. ClinVar contains an entry for this variant (Variation ID: 1720089). This variant has not been reported in the literature in individuals affected with PMS2-related conditions. This sequence change replaces lysine, which is basic and polar, with glutamic acid, which is acidic and polar, at codon 399 of the PMS2 protein (p.Lys399Glu).

NM_000535.7(PMS2):c.1195A>G (p.Lys399Glu)

Gene: PMS2 (PMS1 homolog 2, mismatch repair system component; minus strand). Cytogenetic location: 7p22.1.
Variant type: single nucleotide variant.
Coding change: c.1195A>G on transcript NM_000535.7 (MANE Select); coding-DNA position 1195, A replaced by G.
Protein change: p.Lys399Glu; replaces lysine 399 with glutamic acid.
Molecular consequence: missense variant. On other transcripts: non-coding transcript variant (1).
Genome position (GRCh38, 1-based): chr7:5,987,570, T>C on the plus strand (A>G on the coding strand, the complement: PMS2 is on the minus strand). VCF-style: chr7-5987570-T-C. GRCh37 (hg19) VCF-style: chr7-6027201-T-C.
Other names: c.877A>G, p.Lys293Glu (NM_001406883.1, NM_001406903.1, NM_001322007.2 and 2 more transcripts); c.871A>G, p.Lys291Glu (NM_001406884.1); c.859A>G, p.Lys287Glu (NM_001406885.1); c.829A>G, p.Lys277Glu (NM_001406886.1); c.790A>G, p.Lys264Glu (NM_001406887.1, NM_001406888.1, NM_001406889.1 and 17 more transcripts); c.730A>G, p.Lys244Glu (NM_001406900.1); c.721A>G, p.Lys241Glu (NM_001406901.1, NM_001406902.1); c.682A>G, p.Lys228Glu (NM_001406904.1, NM_001406905.1); and 12 more; short protein forms K142E, K208E, K212E, K228E, K241E, K244E, K264E, K277E.
Identifiers: ClinVar variation 1720089 (VCV001720089.6), dbSNP rs2535836662, ClinGen allele CA366742592.
Genomic context (GRCh38, chr7:5,987,570, plus strand): 5'-TGGAAATGGACACGTCTTTTTTTTCTTCTCCAGTCCTTAATGAAGGGGATTGATCCTGCT[T>C]TTCTACCATGGGCTTTTCCAAATCCGCTGCATGCATTTTTATTAAGTTACCTAAGCAAAC-3'
Protein context (NP_000526.2, residues 389-409): AADLEKPMVE[Lys399Glu]QDQSPSLRTG